The following is an entry in ClinVar:

ClinVar aggregate classification (germline): Benign/Likely benign. Review status: criteria provided, multiple submitters, no conflicts (2 of 4 stars). 3 submissions from 3 submitters: Benign (1); Likely benign (2). Last evaluated 2024-07-02.

Conditions:
Hereditary cancer-predisposing syndrome. Also called: Hereditary neoplastic syndrome; Hereditary Cancer Syndrome; Tumor predisposition; Neoplastic Syndromes, Hereditary. Identifiers: Orphanet 140162, MedGen C0027672, MeSH D009386, MONDO:0015356.
Oligodontia-cancer predisposition syndrome. Also called: TOOTH AGENESIS-COLORECTAL CANCER SYNDROME. Identifiers: Orphanet 300576, MedGen C1837750, MONDO:0012075, OMIM 608615. Disease mechanism: loss of function.

Allele frequency attached by ClinVar (database versions not stated): gnomAD exomes below 0.00001; TOPMed below 0.00001.
gnomAD v4.1: 2 of 1,579,812 alleles (0.00013%); highest among the groups gnomAD compares: Non-Finnish European, 0.00017%; no homozygotes.

Submissions (3):

Myriad Genetics, Inc.
Classification: Benign for Oligodontia-cancer predisposition syndrome. Last evaluated: 2024-07-02. Review status: criteria provided, single submitter. Criteria: Myriad Autosomal Dominant, Autosomal Recessive and X-Linked Classification Criteria (2023). Collection method: clinical testing. Allele origin: unknown.
Comment: This variant is considered benign. This variant is a silent/synonymous amino acid change and it is not expected to impact splicing.

Labcorp Genetics (formerly Invitae), Labcorp
Classification: Likely benign for Oligodontia-cancer predisposition syndrome. Last evaluated: 2023-04-24. Review status: criteria provided, single submitter. Criteria: Invitae Variant Classification Sherloc (09022015). Collection method: clinical testing. Allele origin: germline.

Ambry Genetics
Classification: Likely benign for Hereditary cancer-predisposing syndrome. Last evaluated: 2020-12-04. Review status: criteria provided, single submitter. Criteria: Ambry Variant Classification Scheme 2023. Collection method: clinical testing. Allele origin: germline.

NM_004655.4(AXIN2):c.1281C>T (p.Pro427=)

Gene: AXIN2 (axin 2; minus strand). Cytogenetic location: 17q24.1.
Variant type: single nucleotide variant.
Coding change: c.1281C>T on transcript NM_004655.4 (MANE Select); coding-DNA position 1281, C replaced by T.
Protein change: p.Pro427=; no amino-acid change (proline 427 retained).
Molecular consequence: synonymous variant.
Genome position (GRCh38, 1-based): chr17:65,537,755, G>A on the plus strand (C>T on the coding strand, the complement: AXIN2 is on the minus strand). VCF-style: chr17-65537755-G-A. GRCh37 (hg19) VCF-style: chr17-63533873-G-A.
Other names: c.1281C>T, p.Pro427= (NM_001363813.1).
Identifiers: ClinVar variation 1154349 (VCV001154349.12), dbSNP rs903366422, ClinGen allele CA293098443.